The following is an entry in ClinVar:

ClinVar aggregate classification (germline): Uncertain significance (1 of 4 stars; one submission).

Conditions:
Dextro-looped transposition of the great arteries. Also called: Dextrotransposition of the great arteries. Identifiers: Orphanet 860, MedGen C3531771, MONDO:0019443, OMIM 608808, HP:0031348.

gnomAD v4.1: 27 of 1,614,190 alleles (0.0017%); highest among the groups gnomAD compares: Non-Finnish European, 0.0022%; no homozygotes.

Submission:

Labcorp Genetics (formerly Invitae), Labcorp
Classification: Uncertain significance for Dextro-looped transposition of the great arteries. Last evaluated: 2024-04-10. Review status: criteria provided, single submitter. Criteria: Invitae Variant Classification Sherloc (09022015). Collection method: clinical testing. Allele origin: germline.
Comment: This sequence change replaces glutamic acid, which is acidic and polar, with lysine, which is basic and polar, at codon 1296 of the MED13L protein (p.Glu1296Lys). This variant is not present in population databases (gnomAD no frequency). This variant has not been reported in the literature in individuals affected with MED13L-related conditions. Advanced modeling of protein sequence and biophysical properties (such as structural, functional, and spatial information, amino acid conservation, physicochemical variation, residue mobility, and thermodynamic stability) performed at Invitae indicates that this missense variant is not expected to disrupt MED13L protein function with a negative predictive value of 80%. In summary, the available evidence is currently insufficient to determine the role of this variant in disease. Therefore, it has been classified as a Variant of Uncertain Significance.

NM_015335.5(MED13L):c.3886G>A (p.Glu1296Lys)

Gene: MED13L (mediator complex subunit 13L; minus strand). Cytogenetic location: 12q24.21.
Variant type: single nucleotide variant.
Coding change: c.3886G>A on transcript NM_015335.5 (MANE Select); coding-DNA position 3886, G replaced by A.
Protein change: p.Glu1296Lys; replaces glutamic acid 1296 with lysine.
Molecular consequence: missense variant.
Genome position (GRCh38, 1-based): chr12:115,991,068, C>T on the plus strand (G>A on the coding strand, the complement: MED13L is on the minus strand). VCF-style: chr12-115991068-C-T. GRCh37 (hg19) VCF-style: chr12-116428873-C-T.
Other names: short protein forms E1296K.
Identifiers: ClinVar variation 3708448 (VCV003708448.2).